The following is an entry in ClinVar:

ClinVar aggregate classification (germline): Likely benign. Review status: criteria provided, multiple submitters, no conflicts (2 of 4 stars). 3 submissions from 3 submitters: Likely benign (2). 1 of the submissions does not count toward it. Last evaluated 2026-01-07.

Conditions:
PIEZO1-related disorder. Also called: PIEZO1-related condition; PIEZO1-Related Disorders.

Allele frequency attached by ClinVar (database versions not stated): gnomAD 0.00014 and 0.00028; TOPMed 0.00022; gnomAD exomes 0.00043; ExAC 0.00066; 1000 Genomes Project 0.00140; 1000 Genomes Project 30x 0.00172.
gnomAD v4.1: 250 of 1,527,838 alleles (0.016%); highest among the groups gnomAD compares: East Asian, 0.24%; 3 homozygotes.

Submissions (3):

Labcorp Genetics (formerly Invitae), Labcorp
Classification: Likely benign. Last evaluated: 2026-01-07. Review status: criteria provided, single submitter. Criteria: Invitae Variant Classification Sherloc (09022015). Collection method: clinical testing. Allele origin: germline.

Blueprint Genetics
Classification: Likely benign. Last evaluated: 2024-10-23. Review status: criteria provided, single submitter. Criteria: ACMG Guidelines, 2015. Collection method: clinical testing. Allele origin: germline.

PreventionGenetics, part of Exact Sciences
Classification: Likely benign for PIEZO1-related condition. Last evaluated: 2022-09-06. Review status: no assertion criteria provided. Collection method: clinical testing. Allele origin: germline. Not counted in ClinVar's aggregate classification.
Comment: This variant is classified as likely benign based on ACMG/AMP sequence variant interpretation guidelines (Richards et al. 2015 PMID: 25741868, with internal and published modifications).

NM_001142864.4(PIEZO1):c.4813G>A (p.Asp1605Asn)

Gene: PIEZO1 (piezo type mechanosensitive ion channel component 1 (Er blood group); minus strand). Cytogenetic location: 16q24.3.
Variant type: single nucleotide variant.
Coding change: c.4813G>A on transcript NM_001142864.4 (MANE Select); coding-DNA position 4813, G replaced by A.
Protein change: p.Asp1605Asn; replaces aspartic acid 1605 with asparagine.
Molecular consequence: missense variant.
Genome position (GRCh38, 1-based): chr16:88,722,360, C>T on the plus strand (G>A on the coding strand, the complement: PIEZO1 is on the minus strand). VCF-style: chr16-88722360-C-T. GRCh37 (hg19) VCF-style: chr16-88788768-C-T.
Other names: short protein forms D1605N.
Identifiers: ClinVar variation 736937 (VCV000736937.13), dbSNP rs200392848, ClinGen allele CA8232027.